The following is an entry in ClinVar:

ClinVar aggregate classification (germline): Benign/Likely benign. Review status: criteria provided, multiple submitters, no conflicts (2 of 4 stars). 5 submissions from 5 submitters: Benign (1); Likely benign (3). 1 of the submissions does not count toward it. Last evaluated 2026-01-18.

Conditions:
Intellectual disability, CASK-related, X-linked. Identifiers: MedGen CN043158.
CASK-related disorder. Also called: CASK-related disorders; CASK-related condition.

Allele frequency attached by ClinVar (database versions not stated): gnomAD 0.00015 and 0.00017; gnomAD exomes 0.00017 and 0.00020; TOPMed 0.00020; ExAC 0.00021; ESP Exome Variant Server 0.00038.
gnomAD v4.1: 200 of 1,200,802 alleles (0.017%); highest among the groups gnomAD compares: Non-Finnish European, 0.022%; no homozygotes.

Submissions (5):

Labcorp Genetics (formerly Invitae), Labcorp
Classification: Benign for Intellectual disability, CASK-related, X-linked. Last evaluated: 2026-01-18. Review status: criteria provided, single submitter. Criteria: Invitae Variant Classification Sherloc (09022015). Collection method: clinical testing. Allele origin: germline.

CeGaT Center for Human Genetics Tuebingen
Classification: Likely benign. Last evaluated: 2026-01-01. Review status: criteria provided, single submitter. Criteria: CeGaT Center For Human Genetics Tuebingen Variant Classification Criteria Version 2. Collection method: clinical testing. Allele origin: germline. Affected: yes. Observed: 6 variant alleles.
Comment: CASK: BP4, BP7, BS2

Blueprint Genetics
Classification: Likely benign. Last evaluated: 2024-11-15. Review status: criteria provided, single submitter. Criteria: ACMG Guidelines, 2015. Collection method: clinical testing. Allele origin: germline.

GeneDx
Classification: Likely benign. Last evaluated: 2020-11-25. Review status: criteria provided, single submitter. Criteria: GeneDx Variant Classification Process June 2021. Collection method: clinical testing. Allele origin: germline. Affected: yes.

PreventionGenetics, part of Exact Sciences
Classification: Likely benign for CASK-related condition. Last evaluated: 2019-08-08. Review status: no assertion criteria provided. Collection method: clinical testing. Allele origin: germline. Not counted in ClinVar's aggregate classification.
Comment: This variant is classified as likely benign based on ACMG/AMP sequence variant interpretation guidelines (Richards et al. 2015 PMID: 25741868, with internal and published modifications).

NM_001367721.1(CASK):c.1392C>T (p.Thr464=)

Gene: CASK (calcium/calmodulin dependent serine protein kinase; minus strand). Cytogenetic location: Xp11.4.
Variant type: single nucleotide variant.
Coding change: c.1392C>T on transcript NM_001367721.1 (MANE Select); coding-DNA position 1392, C replaced by T.
Protein change: p.Thr464=; no amino-acid change (threonine 464 retained).
Molecular consequence: synonymous variant.
Genome position (GRCh38, 1-based): chrX:41,578,451, G>A on the plus strand (C>T on the coding strand, the complement: CASK is on the minus strand). VCF-style: chrX-41578451-G-A. GRCh37 (hg19) VCF-style: chrX-41437704-G-A.
Other names: c.1392C>T, p.Thr464= (NM_001126054.3, NM_003688.4); c.1374C>T, p.Thr458= (NM_001126055.3, NM_001410745.1).
Identifiers: ClinVar variation 718216 (VCV000718216.56), dbSNP rs368007414, ClinGen allele CA10390210.
Genomic context (GRCh38, chrX:41,578,451, plus strand): 5'-ATTCTCCATATCCATGTCTCCGTTAGCACTTTCTGGAGAATCGCCGTTTAAATAGGGAGA[G>A]GTGGGAGGAGGTGTGACCCTCAATGCTTCATCACTGTAAACTTCATGTGCCACTACGTCG-3'
Protein context (NP_001354650.1, residues 454-474): DEALRVTPPP[Thr464=]SPYLNGDSPE